The following is an entry in ClinVar:

ClinVar aggregate classification (germline): Likely benign (1 of 4 stars; one submission).

Conditions:
Malignant hyperthermia, susceptibility to, 5 (MHS5). Also called: CACNA1S-Related Malignant Hyperthermia Susceptibility. Identifiers: Orphanet 423, MedGen C1866077, MONDO:0011163, OMIM 601887.

gnomAD v4.1: 1 of 1,614,176 alleles (0.000062%); highest among the groups gnomAD compares: South Asian, 0.0011%; no homozygotes.

Submission:

All of Us Research Program, National Institutes of Health
Classification: Likely benign for Malignant hyperthermia, susceptibility to, 5. Last evaluated: 2023-08-28. Review status: criteria provided, single submitter. Criteria: ACMG Guidelines, 2015. Collection method: clinical testing. Allele origin: germline. Inheritance: Autosomal dominant inheritance. Observed: 1 variant allele, 1 heterozygote.
Comment: This study involves interpretation of variants in research participants for the purpose of population health screening. Participant phenotype was not available at the time of variant classification. Additional details can be found in publication PMID: 35346344, PMCID: PMC8962531

NM_000069.3(CACNA1S):c.3369G>C (p.Leu1123=)

Gene: CACNA1S (calcium voltage-gated channel subunit alpha1 S; minus strand). Cytogenetic location: 1q32.1.
Variant type: single nucleotide variant.
Coding change: c.3369G>C on transcript NM_000069.3 (MANE Select); coding-DNA position 3369, G replaced by C.
Protein change: p.Leu1123=; no amino-acid change (leucine 1123 retained).
Molecular consequence: synonymous variant.
Genome position (GRCh38, 1-based): chr1:201,060,703, C>G on the plus strand (G>C on the coding strand, the complement: CACNA1S is on the minus strand). VCF-style: chr1-201060703-C-G. GRCh37 (hg19) VCF-style: chr1-201029831-C-G.
Identifiers: ClinVar variation 3073189 (VCV003073189.1), dbSNP rs535424694, ClinGen allele CA079645.
Genomic context (GRCh38, chr1:201,060,703, plus strand): 5'-CTGGGGAGCCCTTACCTGCATGCCGAGGCAGATGGTGTTGAGCATGATGAGGGCAAACAT[C>G]AGGTATTCAAAGTAGGAGGAGGTGACAATGTACCACACCTGGTACTGGTATGGGTTTTTG-3'
Protein context (NP_000060.2, residues 1113-1133): YIVTSSYFEY[Leu1123=]MFALIMLNTI